The following is an entry in ClinVar:

NM_004064.5(CDKN1B):c.514G>A (p.Glu172Lys)

Gene: CDKN1B (cyclin dependent kinase inhibitor 1B; plus strand). Cytogenetic location: 12p13.1.
Variant type: single nucleotide variant.
Coding change: c.514G>A on transcript NM_004064.5 (MANE Select); coding-DNA position 514, G replaced by A.
Protein change: p.Glu172Lys; replaces glutamic acid 172 with lysine.
Molecular consequence: missense variant.
Genome position (GRCh38, 1-based): chr12:12,718,863, G>A. VCF-style: chr12-12718863-G-A. GRCh37 (hg19) VCF-style: chr12-12871797-G-A.
Other names: c.514G>A (NM_004064.3); short protein forms E172K.
Identifiers: ClinVar variation 536838 (VCV000536838.7), dbSNP rs1260635377, ClinGen allele CA383972854.

ClinVar aggregate classification (germline): Uncertain significance. Review status: criteria provided, multiple submitters, no conflicts (2 of 4 stars). 2 submissions from 2 submitters: Uncertain significance (2). Last evaluated 2024-07-29.

Conditions:
Hereditary cancer-predisposing syndrome. Also called: Neoplastic Syndromes, Hereditary; Tumor predisposition; Hereditary Cancer Syndrome; Hereditary neoplastic syndrome. Identifiers: Orphanet 140162, MedGen C0027672, MeSH D009386, MONDO:0015356.
Multiple endocrine neoplasia type 4. Also called: MULTIPLE ENDOCRINE NEOPLASIA, TYPE IV. Identifiers: Orphanet 276152, MedGen C1970712, MONDO:0012552, OMIM 610755.

Allele frequency attached by ClinVar (database versions not stated): gnomAD exomes 0.00001.
gnomAD v4.1: 8 of 1,614,138 alleles (0.0005%); highest among the groups gnomAD compares: Non-Finnish European, 0.00068%; no homozygotes.

Submissions (2):

Ambry Genetics
Classification: Uncertain significance for Hereditary cancer-predisposing syndrome. Last evaluated: 2024-07-29. Review status: criteria provided, single submitter. Criteria: Ambry Variant Classification Scheme 2023. Collection method: clinical testing. Allele origin: germline.
Comment: The p.E172K variant (also known as c.514G>A), located in coding exon 2 of the CDKN1B gene, results from a G to A substitution at nucleotide position 514. The glutamic acid at codon 172 is replaced by lysine, an amino acid with similar properties. This amino acid position is highly conserved in available vertebrate species. In addition, this alteration is predicted to be deleterious by in silico analysis. Based on the available evidence, the clinical significance of this variant remains unclear.

Labcorp Genetics (formerly Invitae), Labcorp
Classification: Uncertain significance for Multiple endocrine neoplasia type 4. Last evaluated: 2022-10-13. Review status: criteria provided, single submitter. Criteria: Invitae Variant Classification Sherloc (09022015). Collection method: clinical testing. Allele origin: germline.
Comment: This sequence change replaces glutamic acid, which is acidic and polar, with lysine, which is basic and polar, at codon 172 of the CDKN1B protein (p.Glu172Lys). This variant is present in population databases (no rsID available, gnomAD 0.002%). This missense change has been observed in individual(s) with childhood acute lymphoblastic leukemia (PMID: 11986963). ClinVar contains an entry for this variant (Variation ID: 536838). Algorithms developed to predict the effect of missense changes on protein structure and function are either unavailable or do not agree on the potential impact of this missense change (SIFT: "Deleterious"; PolyPhen-2: "Probably Damaging"; Align-GVGD: "Class C0"). Algorithms developed to predict the effect of sequence changes on RNA splicing suggest that this variant may disrupt the consensus splice site. In summary, the available evidence is currently insufficient to determine the role of this variant in disease. Therefore, it has been classified as a Variant of Uncertain Significance.

Literature cited by the submitters: PubMed 11986963 (cited by Labcorp Genetics (formerly Invitae), Labcorp).